The following is an entry in ClinVar:

NM_006063.3(KLHL41):c.1603A>T (p.Ile535Phe)

Gene: KLHL41 (kelch like family member 41; plus strand). Cytogenetic location: 2q31.1.
Variant type: single nucleotide variant.
Coding change: c.1603A>T on transcript NM_006063.3 (MANE Select); coding-DNA position 1603, A replaced by T.
Protein change: p.Ile535Phe; replaces isoleucine 535 with phenylalanine.
Molecular consequence: missense variant.
Genome position (GRCh38, 1-based): chr2:169,520,901, A>T. VCF-style: chr2-169520901-A-T. GRCh37 (hg19) VCF-style: chr2-170377411-A-T.
Other names: short protein forms I535F.
Identifiers: ClinVar variation 1401333 (VCV001401333.7), dbSNP rs2105312532, ClinGen allele CA349179800.

ClinVar aggregate classification (germline): Uncertain significance (1 of 4 stars; one submission).

Conditions:
Nemaline myopathy 9 (NEM9). Identifiers: MedGen C3810384, MONDO:0014326, OMIM 615731.

Submission:

Labcorp Genetics (formerly Invitae), Labcorp
Classification: Uncertain significance for Nemaline myopathy 9. Last evaluated: 2021-06-16. Review status: criteria provided, single submitter. Criteria: Invitae Variant Classification Sherloc (09022015). Collection method: clinical testing. Allele origin: germline.
Comment: In summary, the available evidence is currently insufficient to determine the role of this variant in disease. Therefore, it has been classified as a Variant of Uncertain Significance. Algorithms developed to predict the effect of missense changes on protein structure and function are either unavailable or do not agree on the potential impact of this missense change (SIFT: "Deleterious"; PolyPhen-2: "Possibly Damaging"; Align-GVGD: "Class C0"). This variant has not been reported in the literature in individuals with KLHL41-related conditions. This variant is not present in population databases (ExAC no frequency). This sequence change replaces isoleucine with phenylalanine at codon 535 of the KLHL41 protein (p.Ile535Phe). The isoleucine residue is highly conserved and there is a small physicochemical difference between isoleucine and phenylalanine.